The following is an entry in ClinVar:

NM_001614.5(ACTG1):c.-6-3C>T

Gene: ACTG1 (actin gamma 1; minus strand). Cytogenetic location: 17q25.3.
Variant type: single nucleotide variant.
Coding change: c.-6-3C>T on transcript NM_001614.5 (MANE Select); 3 bases into the intron before 6 bases upstream of the start codon, C replaced by T.
Molecular consequence: intron variant.
Genome position (GRCh38, 1-based): chr17:81,512,363, G>A on the plus strand (C>T on the coding strand, the complement: ACTG1 is on the minus strand). VCF-style: chr17-81512363-G-A. GRCh37 (hg19) VCF-style: chr17-79479389-G-A.
Other names: c.-6-3C>T (NM_001199954.3).
Identifiers: ClinVar variation 226457 (VCV000226457.35), dbSNP rs140724578, ClinGen allele CA8836433.
Genomic context (GRCh38, chr17:81,512,363, plus strand): 5'-TGCACATGCCGGAGCCATTGTCAATGACCAGCGCGGCGATCTCTTCTTCCATTGCGACCT[G>A]CCCGGAAAAGGATGGACTCAGGCGGGCGCGTCTGTAACACGGTCCCCTCCCCACAGCCAC-3'

ClinVar aggregate classification (germline): Benign/Likely benign. Review status: criteria provided, multiple submitters, no conflicts (2 of 4 stars). 10 submissions from 9 submitters: Benign (6); Likely benign (1). 3 of the submissions do not count toward it. Last evaluated 2026-09-01.

Conditions:
Baraitser-winter syndrome 2. Identifiers: Orphanet 2995, MedGen C3281235, MONDO:0013812, OMIM 614583.
Autosomal dominant nonsyndromic hearing loss 20. Identifiers: Orphanet 90635, MedGen C1858172, MONDO:0011480, OMIM 604717.

Allele frequency attached by ClinVar (database versions not stated): 1000 Genomes Project 0.00240; gnomAD 0.00374 and 0.00376; TOPMed 0.00394; gnomAD exomes 0.00401; ExAC 0.00427; ESP Exome Variant Server 0.00431.
gnomAD v4.1: 7,883 of 1,613,926 alleles (0.49%); highest among the groups gnomAD compares: Non-Finnish European, 0.59%; 28 homozygotes.

Submissions 1 to 31 of 47:

CeGaT Center for Human Genetics Tuebingen
Classification: Likely benign. Last evaluated: 2026-09-01. Review status: criteria provided, single submitter. Criteria: CeGaT Center For Human Genetics Tuebingen Variant Classification Criteria Version 2. Collection method: clinical testing. Allele origin: germline. Affected: yes. Observed: 17 variant alleles.
Comment: ACTG1: BS2

Mayo Clinic Laboratories, Mayo Clinic
Classification: Benign. Last evaluated: 2023-02-07. Review status: criteria provided, single submitter. Criteria: ACMG Guidelines, 2015. Collection method: clinical testing. Allele origin: germline. Observed: 2 variant alleles.
Comment: BA1, BS2

Genome-Nilou Lab
Classification: Benign for Baraitser-winter syndrome 2. Last evaluated: 2021-12-05. Review status: criteria provided, single submitter. Criteria: ACMG Guidelines, 2015. Collection method: clinical testing. Allele origin: germline. Affected: no.

Genome-Nilou Lab
Classification: Benign for Autosomal dominant nonsyndromic hearing loss 20. Last evaluated: 2021-12-05. Review status: criteria provided, single submitter. Criteria: ACMG Guidelines, 2015. Collection method: clinical testing. Allele origin: germline. Affected: no.

GeneDx
Classification: Benign. Last evaluated: 2016-07-20. Review status: criteria provided, single submitter. Criteria: GeneDx Variant Classification (06012015). Collection method: clinical testing. Allele origin: germline. Affected: yes.
Comment: This variant is considered likely benign or benign based on one or more of the following criteria: it is a conservative change, it occurs at a poorly conserved position in the protein, it is predicted to be benign by multiple in silico algorithms, and/or has population frequency not consistent with disease.

Laboratory for Molecular Medicine, Mass General Brigham Personalized Medicine
Classification: Benign. Last evaluated: 2012-04-30. Review status: criteria provided, single submitter. Criteria: LMM Criteria. Collection method: clinical testing. Allele origin: germline. Observed: 9 variant alleles.
Comment: -6-3C>T in Intron 01 of ACTG1: This variant is not expected to have clinical sig nificance because it has been identified in 0.6% (42/7020) of European American chromosomes from a broad population by the NHLBI Exome Sequencing Project (

Breakthrough Genomics
Classification: Benign. Review status: criteria provided, single submitter. Criteria: ACMG Guidelines, 2015. Collection method: not provided. Allele origin: germline. Inheritance: Autosomal dominant inheritance. Affected: yes.

Clinical Genetics DNA and cytogenetics Diagnostics Lab, Erasmus MC, Erasmus Medical Center
Classification: Benign. Review status: no assertion criteria provided. Collection method: clinical testing. Allele origin: germline. Affected: yes. Study: VKGL Data-share Consensus. Not counted in ClinVar's aggregate classification.

Dr. Peter K. Rogan Lab, Western University
No classification provided (evidence only). Condition: Lung cancer. Review status: no classification provided. Collection method: in vitro. Allele origin: not applicable. Functional consequence: retained intron. Not counted in ClinVar's aggregate classification.

Dr. Peter K. Rogan Lab, Western University
No classification provided (evidence only). Condition: Lung cancer. Review status: no classification provided. Collection method: in vitro. Allele origin: not applicable. Functional consequence: retained intron. Not counted in ClinVar's aggregate classification.

Dr. Peter K. Rogan Lab, Western University
No classification provided (evidence only). Condition: Lung cancer. Review status: no classification provided. Collection method: in vitro. Allele origin: not applicable. Functional consequence: retained intron. Not counted in ClinVar's aggregate classification.

Dr. Peter K. Rogan Lab, Western University
No classification provided (evidence only). Condition: Melanoma. Review status: no classification provided. Collection method: in vitro. Allele origin: not applicable. Functional consequence: retained intron. Not counted in ClinVar's aggregate classification.

Dr. Peter K. Rogan Lab, Western University
No classification provided (evidence only). Condition: Melanoma. Review status: no classification provided. Collection method: in vitro. Allele origin: not applicable. Functional consequence: retained intron. Not counted in ClinVar's aggregate classification.

Dr. Peter K. Rogan Lab, Western University
No classification provided (evidence only). Condition: Melanoma. Review status: no classification provided. Collection method: in vitro. Allele origin: not applicable. Functional consequence: retained intron. Not counted in ClinVar's aggregate classification.

Dr. Peter K. Rogan Lab, Western University
No classification provided (evidence only). Condition: Melanoma. Review status: no classification provided. Collection method: in vitro. Allele origin: not applicable. Functional consequence: retained intron. Not counted in ClinVar's aggregate classification.

Dr. Peter K. Rogan Lab, Western University
No classification provided (evidence only). Condition: Melanoma. Review status: no classification provided. Collection method: in vitro. Allele origin: not applicable. Functional consequence: retained intron. Not counted in ClinVar's aggregate classification.

Dr. Peter K. Rogan Lab, Western University
No classification provided (evidence only). Condition: Melanoma. Review status: no classification provided. Collection method: in vitro. Allele origin: not applicable. Functional consequence: retained intron. Not counted in ClinVar's aggregate classification.

Dr. Peter K. Rogan Lab, Western University
No classification provided (evidence only). Condition: Familial cancer of breast. Review status: no classification provided. Collection method: in vitro. Allele origin: not applicable. Functional consequence: retained intron. Not counted in ClinVar's aggregate classification.

Dr. Peter K. Rogan Lab, Western University
No classification provided (evidence only). Condition: Familial cancer of breast. Review status: no classification provided. Collection method: in vitro. Allele origin: not applicable. Functional consequence: retained intron. Not counted in ClinVar's aggregate classification.

Dr. Peter K. Rogan Lab, Western University
No classification provided (evidence only). Condition: Acute myeloid leukemia. Review status: no classification provided. Collection method: in vitro. Allele origin: not applicable. Functional consequence: retained intron. Not counted in ClinVar's aggregate classification.

Dr. Peter K. Rogan Lab, Western University
No classification provided (evidence only). Condition: Acute myeloid leukemia. Review status: no classification provided. Collection method: in vitro. Allele origin: not applicable. Functional consequence: retained intron. Not counted in ClinVar's aggregate classification.

Dr. Peter K. Rogan Lab, Western University
No classification provided (evidence only). Condition: Acute myeloid leukemia. Review status: no classification provided. Collection method: in vitro. Allele origin: not applicable. Functional consequence: retained intron. Not counted in ClinVar's aggregate classification.

Dr. Peter K. Rogan Lab, Western University
No classification provided (evidence only). Condition: Acute myeloid leukemia. Review status: no classification provided. Collection method: in vitro. Allele origin: not applicable. Functional consequence: retained intron. Not counted in ClinVar's aggregate classification.

Dr. Peter K. Rogan Lab, Western University
No classification provided (evidence only). Condition: Thyroid cancer, nonmedullary, 1. Review status: no classification provided. Collection method: in vitro. Allele origin: not applicable. Functional consequence: retained intron. Not counted in ClinVar's aggregate classification.

Dr. Peter K. Rogan Lab, Western University
No classification provided (evidence only). Condition: Thyroid cancer, nonmedullary, 1. Review status: no classification provided. Collection method: in vitro. Allele origin: not applicable. Functional consequence: retained intron. Not counted in ClinVar's aggregate classification.

Dr. Peter K. Rogan Lab, Western University
No classification provided (evidence only). Condition: Thyroid cancer, nonmedullary, 1. Review status: no classification provided. Collection method: in vitro. Allele origin: not applicable. Functional consequence: retained intron. Not counted in ClinVar's aggregate classification.

Dr. Peter K. Rogan Lab, Western University
No classification provided (evidence only). Condition: Uterine corpus endometrial carcinoma. Review status: no classification provided. Collection method: in vitro. Allele origin: not applicable. Functional consequence: retained intron. Not counted in ClinVar's aggregate classification.

Dr. Peter K. Rogan Lab, Western University
No classification provided (evidence only). Condition: Cervical cancer. Review status: no classification provided. Collection method: in vitro. Allele origin: not applicable. Functional consequence: skipped exon, retained intron. Not counted in ClinVar's aggregate classification.

Dr. Peter K. Rogan Lab, Western University
No classification provided (evidence only). Condition: Cervical cancer. Review status: no classification provided. Collection method: in vitro. Allele origin: not applicable. Functional consequence: retained intron. Not counted in ClinVar's aggregate classification.

Dr. Peter K. Rogan Lab, Western University
No classification provided (evidence only). Condition: Cervical cancer. Review status: no classification provided. Collection method: in vitro. Allele origin: not applicable. Functional consequence: retained intron. Not counted in ClinVar's aggregate classification.

Dr. Peter K. Rogan Lab, Western University
No classification provided (evidence only). Condition: Cervical cancer. Review status: no classification provided. Collection method: in vitro. Allele origin: not applicable. Functional consequence: retained intron. Not counted in ClinVar's aggregate classification.